The following is an entry in ClinVar:

NM_031407.7(HUWE1):c.9309G>T (p.Arg3103=)

Gene: HUWE1 (HECT, UBA and WWE domain containing E3 ubiquitin protein ligase 1; minus strand). Cytogenetic location: Xp11.22.
Variant type: single nucleotide variant.
Coding change: c.9309G>T on transcript NM_031407.7 (MANE Select); coding-DNA position 9309, G replaced by T.
Protein change: p.Arg3103=; no amino-acid change (arginine 3103 retained).
Molecular consequence: synonymous variant.
Genome position (GRCh38, 1-based): chrX:53,550,977, C>A on the plus strand (G>T on the coding strand, the complement: HUWE1 is on the minus strand). VCF-style: chrX-53550977-C-A. GRCh37 (hg19) VCF-style: chrX-53577938-C-A.
Identifiers: ClinVar variation 3027350 (VCV003027350.22), dbSNP rs1329092986, ClinGen allele CA516676255.

ClinVar aggregate classification (germline): Likely benign (1 of 4 stars; one submission).

Allele frequency attached by ClinVar (database versions not stated): TOPMed 0.00001.

Submission:

CeGaT Center for Human Genetics Tuebingen
Classification: Likely benign. Last evaluated: 2024-02-01. Review status: criteria provided, single submitter. Criteria: CeGaT Center For Human Genetics Tuebingen Variant Classification Criteria Version 2. Collection method: clinical testing. Allele origin: germline. Affected: yes. Observed: 1 variant allele.
Comment: HUWE1: PM2:Supporting, BP4, BP7